The following is an entry in ClinVar:

NM_015512.5(DNAH1):c.12701_12702del (p.Ser4234fs)

Gene: DNAH1 (dynein axonemal heavy chain 1; plus strand). Cytogenetic location: 3p21.1.
Variant type: Microsatellite.
Coding change: c.12701_12702del on transcript NM_015512.5 (MANE Select); coding-DNA positions 12701 to 12702, 2 bases deleted (CT; older notation c.12701_12702delCT).
Protein change: p.Ser4234fs; shifts the reading frame from serine 4234.
Molecular consequence: frameshift variant.
Genome position (GRCh38, 1-based): chr3:52,400,349-52,400,350, CT deleted; deleting any 2 consecutive bases within chr3:52,400,347-52,400,350 gives the same sequence; the c. name uses the placement nearest the transcript's 3' end. VCF-style (leftmost placement, unchanged base first): chr3-52400346-ACT-A. GRCh37 (hg19) VCF-style: chr3-52434362-ACT-A.
Other names: short protein forms S4234fs.
Identifiers: ClinVar variation 4793722 (VCV004793722.1).

ClinVar aggregate classification (germline): Uncertain significance (1 of 4 stars; one submission).

Conditions:
Spermatogenic failure 18. Identifiers: MedGen C4539783, MONDO:0054615, OMIM 617576.
Ciliary dyskinesia, primary, 37 (CILD37). Also called: CILIARY DYSKINESIA, PRIMARY, 37, WITH OR WITHOUT SITUS INVERSUS. Identifiers: MedGen C4539798, MONDO:0033204, OMIM 617577.

Submission:

Labcorp Genetics (formerly Invitae), Labcorp
Classification: Uncertain significance for Ciliary dyskinesia, primary, 37; Spermatogenic failure 18. Last evaluated: 2025-02-23. Review status: criteria provided, single submitter. Criteria: Invitae Variant Classification Sherloc (09022015). Collection method: clinical testing. Allele origin: germline.
Comment: This sequence change results in a frameshift in the DNAH1 gene (p.Ser4234Tyrfs*?). While this is not anticipated to result in nonsense mediated decay, it is expected to disrupt the last 32 amino acid(s) of the DNAH1 protein and extend the protein by an uncertain number of additional amino acid residues. This variant is not present in population databases (gnomAD no frequency). This variant has not been reported in the literature in individuals affected with DNAH1-related conditions. In summary, the available evidence is currently insufficient to determine the role of this variant in disease. Therefore, it has been classified as a Variant of Uncertain Significance.